The following is an entry in ClinVar:

ClinVar aggregate classification (germline): Uncertain significance (1 of 4 stars; one submission).

Conditions:
Hereditary nonpolyposis colorectal neoplasms. Identifiers: MedGen C0009405, MeSH D003123.

Submission:

Labcorp Genetics (formerly Invitae), Labcorp
Classification: Uncertain significance for Hereditary nonpolyposis colorectal neoplasms. Last evaluated: 2023-10-23. Review status: criteria provided, single submitter. Criteria: Invitae Variant Classification Sherloc (09022015). Collection method: clinical testing. Allele origin: germline.
Comment: This sequence change replaces alanine, which is neutral and non-polar, with proline, which is neutral and non-polar, at codon 49 of the PMS2 protein (p.Ala49Pro). This variant is not present in population databases (gnomAD no frequency). This variant has not been reported in the literature in individuals affected with PMS2-related conditions. Advanced modeling of protein sequence and biophysical properties (such as structural, functional, and spatial information, amino acid conservation, physicochemical variation, residue mobility, and thermodynamic stability) performed at Invitae indicates that this missense variant is expected to disrupt PMS2 protein function. In summary, the available evidence is currently insufficient to determine the role of this variant in disease. Therefore, it has been classified as a Variant of Uncertain Significance.

NM_000535.7(PMS2):c.145G>C (p.Ala49Pro)

Gene: PMS2 (PMS1 homolog 2, mismatch repair system component; minus strand). Cytogenetic location: 7p22.1.
Variant type: single nucleotide variant.
Coding change: c.145G>C on transcript NM_000535.7 (MANE Select); coding-DNA position 145, G replaced by C.
Protein change: p.Ala49Pro; replaces alanine 49 with proline.
Molecular consequence: missense variant. On other transcripts: 5 prime UTR variant (38), non-coding transcript variant (1), intron variant (7).
Genome position (GRCh38, 1-based): chr7:6,005,910, C>G on the plus strand (G>C on the coding strand, the complement: PMS2 is on the minus strand). VCF-style: chr7-6005910-C-G. GRCh37 (hg19) VCF-style: chr7-6045541-C-G.
Other names: c.-261G>C (NM_001018040.1, NM_001322003.2, NM_001322005.2 and 11 more transcripts); c.145G>C, p.Ala49Pro (NM_001322006.2, NM_001406873.1, NM_001406874.1 and 10 more transcripts); c.-71G>C (NM_001322007.2, NM_001406876.1, NM_001406883.1 and 4 more transcripts); c.-740G>C (NM_001322011.2, NM_001322012.2); c.-340G>C (NM_001406875.1, NM_001406877.1, NM_001406878.1 and 2 more transcripts); c.-287G>C (NM_001406880.1); c.331G>C, p.Ala111Pro (NM_001406866.1); c.-208G>C (NM_001406888.1, NM_001406889.1, NM_001406892.1 and 5 more transcripts); and 7 more; short protein forms A111P, A49P.
Identifiers: ClinVar variation 2771213 (VCV002771213.3), dbSNP rs1583418527, ClinGen allele CA366744976.